The following is an entry in ClinVar:

ClinVar aggregate classification (germline): Conflicting classifications of pathogenicity. Review status: criteria provided, conflicting classifications (1 of 4 stars). 3 submissions from 3 submitters: Uncertain significance (1); Likely benign (2). Last evaluated 2025-09-18.

Conditions:
RAD51-related disorder. Also called: RAD51-related disorders; RAD51-related condition.
Hereditary cancer. Identifiers: MedGen C1333600.

Allele frequency attached by ClinVar (database versions not stated): ExAC 0.00003; ESP Exome Variant Server 0.00008; gnomAD 0.00009; TOPMed 0.00011; gnomAD exomes 0.00012.
gnomAD v4.1: 203 of 1,613,808 alleles (0.013%); highest among the groups gnomAD compares: Admixed American, 0.038%; 1 homozygote.

Submissions (3):

Labcorp Genetics (formerly Invitae), Labcorp
Classification: Likely benign. Last evaluated: 2025-09-18. Review status: criteria provided, single submitter. Criteria: Invitae Variant Classification Sherloc (09022015). Collection method: clinical testing. Allele origin: germline.

Mendelics
Classification: Likely benign for Hereditary cancer. Last evaluated: 2024-01-23. Review status: criteria provided, single submitter. Criteria: ACMG Guidelines, 2015. Collection method: clinical testing. Allele origin: unknown.

PreventionGenetics, part of Exact Sciences
Classification: Uncertain significance for RAD51-related condition. Last evaluated: 2023-01-26. Review status: criteria provided, single submitter. Criteria: ACMG Guidelines, 2015. Collection method: clinical testing. Allele origin: germline.
Comment: The RAD51 c.674C>G variant is predicted to result in the amino acid substitution p.Ala225Gly. In the literature this variant is also reported as c.671C>G (p.Ala224Gly) via NM_002875.4. This variant has been reported in a study of individuals with male breast cancer (MBC) (Supplemental Table 3, Reported as RAD51A, Rizzolo et al. 2019. PubMed ID: 30613976) and was also reported in one control individual in an analysis of individuals in the Breast Cancer Family Registry (Calvez-Kelm et al. 2012. PubMed ID: 23300655). This variant was also identified in a study of individuals with a telomeropathy (Table 3, Arias-Salgado et al. 2019. PubMed ID: 30995915). This variant is reported in 0.023% of alleles in individuals of Latino descent in gnomAD. At this time, the clinical significance of this variant is uncertain due to the absence of conclusive functional and genetic evidence.

NM_002875.5(RAD51):c.671C>G (p.Ala224Gly)

Gene: RAD51 (RAD51 recombinase; plus strand). Cytogenetic location: 15q15.1.
Variant type: single nucleotide variant.
Coding change: c.671C>G on transcript NM_002875.5 (MANE Select); coding-DNA position 671, C replaced by G.
Protein change: p.Ala224Gly; replaces alanine 224 with glycine.
Molecular consequence: missense variant.
Genome position (GRCh38, 1-based): chr15:40,729,531, C>G. VCF-style: chr15-40729531-C-G. GRCh37 (hg19) VCF-style: chr15-41021729-C-G.
Other names: c.674C>G (NM_001164269.1); c.674C>G, p.Ala225Gly (NM_001164269.2, NM_133487.4); c.671C>G, p.Ala224Gly (NM_001164270.2); short protein forms A224G, A225G.
Identifiers: ClinVar variation 2072406 (VCV002072406.6), dbSNP rs142701178, ClinGen allele CA7484086.